The following is an entry in ClinVar:

ClinVar aggregate classification (germline): Conflicting classifications of pathogenicity. Review status: criteria provided, conflicting classifications (1 of 4 stars). 3 submissions from 3 submitters: Uncertain significance (2); Likely benign (1). Last evaluated 2025-10-25.

Conditions:
Inborn genetic diseases. Identifiers: MedGen C0950123, MeSH D030342.

Allele frequency attached by ClinVar (database versions not stated): ExAC 0.00001; gnomAD exomes 0.00001.
gnomAD v4.1: 4 of 1,614,126 alleles (0.00025%); highest among the groups gnomAD compares: Admixed American, 0.0017%; no homozygotes.

Submissions (3):

Ambry Genetics
Classification: Uncertain significance for Inborn genetic diseases. Last evaluated: 2025-10-25. Review status: criteria provided, single submitter. Criteria: Ambry Variant Classification Scheme 2023. Collection method: clinical testing. Allele origin: germline.

CeGaT Center for Human Genetics Tuebingen
Classification: Uncertain significance. Last evaluated: 2024-06-01. Review status: criteria provided, single submitter. Criteria: CeGaT Center For Human Genetics Tuebingen Variant Classification Criteria Version 2. Collection method: clinical testing. Allele origin: germline. Affected: yes. Observed: 1 variant allele.
Comment: KANSL1: PM2, BP4

GeneDx
Classification: Likely benign. Last evaluated: 2016-01-18. Review status: criteria provided, single submitter. Criteria: GeneDx Variant Classification (06012015). Collection method: clinical testing. Allele origin: germline. Affected: yes.
Comment: This variant is considered likely benign or benign based on one or more of the following criteria: it is a conservative change, it occurs at a poorly conserved position in the protein, it is predicted to be benign by multiple in silico algorithms, and/or has population frequency not consistent with disease.

NM_015443.4(KANSL1):c.682A>T (p.Thr228Ser)

Gene: KANSL1 (KAT8 regulatory NSL complex subunit 1). Cytogenetic location: 17q21.31.
Variant type: single nucleotide variant.
Coding change: c.682A>T on transcript NM_015443.4 (MANE Select); coding-DNA position 682, A replaced by T.
Protein change: p.Thr228Ser; replaces threonine 228 with serine.
Molecular consequence: missense variant.
Genome position (GRCh38, 1-based): chr17:46,171,462, T>A on the plus strand (A>T on the coding strand, the complement: KANSL1 is on the minus strand). VCF-style: chr17-46171462-T-A. GRCh37 (hg19) VCF-style: chr17-44248828-T-A.
Other names: c.682A>T, p.Thr228Ser (NM_001193465.2, NM_001193466.2, NM_001379198.1); short protein forms T228S.
Identifiers: ClinVar variation 382918 (VCV000382918.19), dbSNP rs762022186, ClinGen allele CA8618997.